The following is an entry in ClinVar:

ClinVar aggregate classification (germline): Conflicting classifications of pathogenicity. Review status: criteria provided, conflicting classifications (1 of 4 stars). 2 submissions from 2 submitters: Uncertain significance (1); Benign (1). Last evaluated 2025-11-09.

Conditions:
Kabuki syndrome. Also called: NIIKAWA-KUROKI SYNDROME; Kabuki make-up syndrome. Identifiers: Orphanet 2322, MedGen C0796004, MONDO:0016512.

Allele frequency attached by ClinVar (database versions not stated): gnomAD exomes below 0.00001.
gnomAD v4.1: 2 of 1,613,802 alleles (0.00012%); no homozygotes.

Submissions (2):

Dasa
Classification: Uncertain significance. Last evaluated: 2025-11-09. Review status: criteria provided, single submitter. Criteria: DASA Assertion Criteria. Collection method: clinical testing. Allele origin: germline.
Comment: NM_003482.4(KMT2D):c.6904C>T (p.Pro2302Ser) is a missense variant that results in the substitution of proline with serine. This variant is rare in population databases. The currently available literature and clinical evidence are not sufficient to establish a definitive association between this variant and the reported condition. Therefore, this variant is classified as a variant of uncertain significance.

Labcorp Genetics (formerly Invitae), Labcorp
Classification: Benign for Kabuki syndrome. Last evaluated: 2023-07-13. Review status: criteria provided, single submitter. Criteria: Invitae Variant Classification Sherloc (09022015). Collection method: clinical testing. Allele origin: germline.

NM_003482.4(KMT2D):c.6904C>T (p.Pro2302Ser)

Gene: KMT2D (lysine methyltransferase 2D; minus strand). Cytogenetic location: 12q13.12.
Variant type: single nucleotide variant.
Coding change: c.6904C>T on transcript NM_003482.4 (MANE Select); coding-DNA position 6904, C replaced by T.
Protein change: p.Pro2302Ser; replaces proline 2302 with serine.
Molecular consequence: missense variant.
Genome position (GRCh38, 1-based): chr12:49,040,866, G>A on the plus strand (C>T on the coding strand, the complement: KMT2D is on the minus strand). VCF-style: chr12-49040866-G-A. GRCh37 (hg19) VCF-style: chr12-49434649-G-A.
Other names: short protein forms P2302S.
Identifiers: ClinVar variation 1919690 (VCV001919690.7), dbSNP rs1159196400, ClinGen allele CA384749316.